The following is an entry in ClinVar:

NM_000238.4(KCNH2):c.50C>T (p.Thr17Ile)

Gene: KCNH2 (potassium voltage-gated channel subfamily H member 2; minus strand). Cytogenetic location: 7q36.1.
Variant type: single nucleotide variant.
Coding change: c.50C>T on transcript NM_000238.4 (MANE Select); coding-DNA position 50, C replaced by T.
Protein change: p.Thr17Ile; replaces threonine 17 with isoleucine.
Molecular consequence: missense variant.
Genome position (GRCh38, 1-based): chr7:150,977,864, G>A on the plus strand (C>T on the coding strand, the complement: KCNH2 is on the minus strand). VCF-style: chr7-150977864-G-A. GRCh37 (hg19) VCF-style: chr7-150674952-G-A.
Other names: c.50C>T, p.Thr17Ile (NM_172056.3); short protein forms T17I.
Identifiers: ClinVar variation 1478393 (VCV001478393.9), dbSNP rs2117072638, ClinGen allele CA369866679.
Genomic context (GRCh38, chr7:150,977,864, plus strand): 5'-GCCCCCTCCCCGCTCAGCCCCCTCCCCCACTCACTCTGGCCCTCAAACTTGCGGATGATG[G>A]TGTCCAGGAAGGTGTTCTGCGGCGCGACGTGGCCCCTCCGCACCGGCATCCTGAGCCCAT-3'
Protein context (NP_000229.1, residues 7-27): HVAPQNTFLD[Thr17Ile]IIRKFEGQSR

ClinVar aggregate classification (germline): Uncertain significance (1 of 4 stars; one submission).

Conditions:
Long QT syndrome (LQTS). Identifiers: MedGen C0023976, MeSH D008133, MONDO:0002442. Disease mechanism: loss of function. Inheritance: Various modes of inheritance.

Submission:

Labcorp Genetics (formerly Invitae), Labcorp
Classification: Uncertain significance for Long QT syndrome. Last evaluated: 2022-07-12. Review status: criteria provided, single submitter. Criteria: Invitae Variant Classification Sherloc (09022015). Collection method: clinical testing. Allele origin: germline.
Comment: In summary, the available evidence is currently insufficient to determine the role of this variant in disease. Therefore, it has been classified as a Variant of Uncertain Significance. Algorithms developed to predict the effect of missense changes on protein structure and function are either unavailable or do not agree on the potential impact of this missense change (SIFT: "Deleterious"; PolyPhen-2: "Benign"; Align-GVGD: "Class C0"). ClinVar contains an entry for this variant (Variation ID: 1478393). This variant has not been reported in the literature in individuals affected with KCNH2-related conditions. This variant is not present in population databases (gnomAD no frequency). This sequence change replaces threonine, which is neutral and polar, with isoleucine, which is neutral and non-polar, at codon 17 of the KCNH2 protein (p.Thr17Ile).